The following is an entry in ClinVar:

NM_015557.3(CHD5):c.2614C>G (p.Leu872Val)

Gene: CHD5 (chromodomain helicase DNA binding protein 5; minus strand). Cytogenetic location: 1p36.31.
Variant type: single nucleotide variant.
Coding change: c.2614C>G on transcript NM_015557.3 (MANE Select); coding-DNA position 2614, C replaced by G.
Protein change: p.Leu872Val; replaces leucine 872 with valine.
Molecular consequence: missense variant.
Genome position (GRCh38, 1-based): chr1:6,136,599, G>C on the plus strand (C>G on the coding strand, the complement: CHD5 is on the minus strand). VCF-style: chr1-6136599-G-C. GRCh37 (hg19) VCF-style: chr1-6196659-G-C.
Other names: short protein forms L872V.
Identifiers: ClinVar variation 4987424 (VCV004987424.1).

ClinVar aggregate classification (germline): Uncertain significance (1 of 4 stars; one submission).

Conditions:
CHD5-related disorder. Also called: CHD5-related condition.

Submission:

PreventionGenetics, part of Exact Sciences
Classification: Uncertain significance for CHD5-related condition. Last evaluated: 2025-09-12. Review status: criteria provided, single submitter. Criteria: ACMG Guidelines, 2015. Collection method: clinical testing. Allele origin: germline.
Comment: The CHD5 c.2614C>G variant is predicted to result in the amino acid substitution p.Leu872Val. To our knowledge, this variant has not been reported in the literature or in a large population database (gnomAD), indicating this variant is rare. At this time, the clinical significance of this variant is uncertain due to the absence of conclusive functional and genetic evidence.